The following is an entry in ClinVar:

ClinVar aggregate classification (germline): Uncertain significance. Review status: criteria provided, multiple submitters, no conflicts (2 of 4 stars). 4 submissions from 4 submitters: Uncertain significance (4). Last evaluated 2025-08-11.

Conditions:
Familial adenomatous polyposis 1 (FAP1). Also called: POLYPOSIS, ADENOMATOUS INTESTINAL; FAMILIAL ADENOMATOUS POLYPOSIS 1, ATTENUATED. Identifiers: MedGen C2713442, MONDO:0021056, OMIM 175100. Disease mechanism: loss of function.
Classic or attenuated familial adenomatous polyposis. Identifiers: MedGen CN372698, MONDO:0021057.
Hereditary cancer-predisposing syndrome. Also called: Hereditary neoplastic syndrome; Tumor predisposition; Neoplastic Syndromes, Hereditary; Hereditary Cancer Syndrome. Identifiers: Orphanet 140162, MedGen C0027672, MeSH D009386, MONDO:0015356.

Allele frequency attached by ClinVar (database versions not stated): gnomAD exomes below 0.00001 and 0.00001; ExAC 0.00001; gnomAD 0.00001; TOPMed 0.00001.
gnomAD v4.1: 2 of 1,613,662 alleles (0.00012%); highest among the groups gnomAD compares: Non-Finnish European, 0.00017%; no homozygotes.

Submissions (4):

Labcorp Genetics (formerly Invitae), Labcorp
Classification: Uncertain significance for Familial adenomatous polyposis 1. Last evaluated: 2025-08-11. Review status: criteria provided, single submitter. Criteria: Invitae Variant Classification Sherloc (09022015). Collection method: clinical testing. Allele origin: germline.
Comment: This sequence change replaces threonine, which is neutral and polar, with alanine, which is neutral and non-polar, at codon 2356 of the APC protein (p.Thr2356Ala). This variant is present in population databases (rs751861630, gnomAD 0.002%). This variant has not been reported in the literature in individuals affected with APC-related conditions. ClinVar contains an entry for this variant (Variation ID: 570865). Invitae Evidence Modeling of protein sequence and biophysical properties (such as structural, functional, and spatial information, amino acid conservation, physicochemical variation, residue mobility, and thermodynamic stability) indicates that this missense variant is not expected to disrupt APC protein function with a negative predictive value of 95%. In summary, the available evidence is currently insufficient to determine the role of this variant in disease. Therefore, it has been classified as a Variant of Uncertain Significance.

Ambry Genetics
Classification: Uncertain significance for Hereditary cancer-predisposing syndrome. Last evaluated: 2024-11-11. Review status: criteria provided, single submitter. Criteria: Ambry Variant Classification Scheme 2023. Collection method: clinical testing. Allele origin: germline.
Comment: The p.T2356A variant (also known as c.7066A>G), located in coding exon 15 of the APC gene, results from an A to G substitution at nucleotide position 7066. The threonine at codon 2356 is replaced by alanine, an amino acid with similar properties. This amino acid position is well conserved in available vertebrate species. In addition, in silico predictors for this gene do not accurately predict pathogenicity. Missense alterations in APC are not a common cause of disease (Spier I et al. Genet Med. 2024 Feb;26(2):100992). Based on the available evidence, the clinical significance of this variant remains unclear.

Color Diagnostics, LLC DBA Color Health
Classification: Uncertain significance for Hereditary cancer-predisposing syndrome. Last evaluated: 2024-03-06. Review status: criteria provided, single submitter. Criteria: ACMG Guidelines, 2015. Collection method: clinical testing. Allele origin: germline.
Comment: This missense variant replaces threonine with alanine at codon 2356 of the APC protein. Computational prediction suggests that this variant may not impact protein structure and function (internally defined REVEL score threshold <= 0.5, PMID: 27666373). To our knowledge, functional studies have not been reported for this variant. This variant has not been reported in individuals affected with APC-related disorders in the literature. This variant has been identified in 3/280994 chromosomes in the general population by the Genome Aggregation Database (gnomAD). The available evidence is insufficient to determine the role of this variant in disease conclusively. Therefore, this variant is classified as a Variant of Uncertain Significance.

All of Us Research Program, National Institutes of Health
Classification: Uncertain significance for Classic or attenuated familial adenomatous polyposis. Last evaluated: 2023-06-08. Review status: criteria provided, single submitter. Criteria: ACMG Guidelines, 2015. Collection method: clinical testing. Allele origin: germline. Inheritance: Autosomal dominant inheritance. Observed: 1 variant allele, 1 heterozygote.
Comment: This missense variant replaces threonine with alanine at codon 2356 of the APC protein. Computational prediction suggests that this variant may not impact protein structure and function (internally defined REVEL score threshold <= 0.5, PMID: 27666373). To our knowledge, functional studies have not been reported for this variant. This variant has not been reported in individuals affected with APC-related disorders in the literature. This variant has been identified in 3/280994 chromosomes in the general population by the Genome Aggregation Database (gnomAD). The available evidence is insufficient to determine the role of this variant in disease conclusively. Therefore, this variant is classified as a Variant of Uncertain Significance.

This study involves interpretation of variants in research participants for the purpose of population health screening. Participant phenotype was not available at the time of variant classification. Additional details can be found in publication PMID: 35346344, PMCID: PMC8962531

NM_000038.6(APC):c.7066A>G (p.Thr2356Ala)

Gene: APC (APC regulator of Wnt signaling pathway; plus strand). Cytogenetic location: 5q22.2.
Variant type: single nucleotide variant.
Coding change: c.7066A>G on transcript NM_000038.6 (MANE Select); coding-DNA position 7066, A replaced by G.
Protein change: p.Thr2356Ala; replaces threonine 2356 with alanine.
Molecular consequence: missense variant.
Genome position (GRCh38, 1-based): chr5:112,842,660, A>G. VCF-style: chr5-112842660-A-G. GRCh37 (hg19) VCF-style: chr5-112178357-A-G.
Other names: c.7066A>G, p.Thr2356Ala (NM_001127510.3, NM_001354895.2); c.7012A>G, p.Thr2338Ala (NM_001127511.3); c.7120A>G, p.Thr2374Ala (NM_001354896.2); c.7096A>G, p.Thr2366Ala (NM_001354897.2); c.6991A>G, p.Thr2331Ala (NM_001354898.2); c.6982A>G, p.Thr2328Ala (NM_001354899.2); c.6943A>G, p.Thr2315Ala (NM_001354900.2); c.6889A>G, p.Thr2297Ala (NM_001354901.2); and 5 more; short protein forms T2338A, T2356A, T2073A, T2196A, T2328A, T2230A, T2255A, T2265A.
Identifiers: ClinVar variation 570865 (VCV000570865.16), dbSNP rs751861630, ClinGen allele CA046771.